The following is an entry in ClinVar:

ClinVar aggregate classification (germline): Uncertain significance (1 of 4 stars; one submission).

Conditions:
Cone dystrophy with supernormal rod response (CDSRR). Also called: CONE DYSTROPHY WITH SUPERNORMAL ROD RESPONSES. Identifiers: Orphanet 209932, MedGen C1835897, MONDO:0012475, OMIM 610356.

gnomAD v4.1: 2 of 1,599,144 alleles (0.00013%); highest among the groups gnomAD compares: East Asian, 0.0045%; no homozygotes.

Submission:

3billion
Classification: Uncertain significance for Cone dystrophy with supernormal rod response. Last evaluated: 2022-01-03. Review status: criteria provided, single submitter. Criteria: ACMG Guidelines, 2015. Collection method: clinical testing. Allele origin: germline. Affected: yes. Observed: 1 homozygote.
Comment: Same nucleotide change resulting in same amino acid change has been previously reported to be associated with KCNV2 related disorder (PMID:23885164, PS1_P). In silico tool predictions suggest damaging effect of the variant on gene or gene product (REVEL: 0.841, PP3_P). It is not observed in the gnomAD v2.1.1 dataset (PM2_M). Therefore, this variant is classified as uncertain significance according to the recommendation of ACMG/AMP guideline.

Literature cited by the submitters: PubMed 23885164.

NM_133497.4(KCNV2):c.617G>C (p.Arg206Pro)

Gene: KCNV2 (potassium voltage-gated channel modifier subfamily V member 2; plus strand). Cytogenetic location: 9p24.2.
Variant type: single nucleotide variant.
Coding change: c.617G>C on transcript NM_133497.4 (MANE Select); coding-DNA position 617, G replaced by C.
Protein change: p.Arg206Pro; replaces arginine 206 with proline.
Molecular consequence: missense variant.
Genome position (GRCh38, 1-based): chr9:2,718,356, G>C. VCF-style: chr9-2718356-G-C. GRCh37 (hg19) VCF-style: chr9-2718356-G-C.
Other names: short protein forms R206P.
Identifiers: ClinVar variation 1333382 (VCV001333382.1), dbSNP rs780813722, ClinGen allele CA372798546.
Genomic context (GRCh38, chr9:2,718,356, plus strand): 5'-GCTACTGGGGCGTGCGGCTCAAGTACACGCCACGCTGCTGCCGCATCTGCTTCGAGGAGC[G>C]GCGCGACGAGCTGAGCGAACGGCTCAAGATCCAGCACGAGCTGCGCGCGCAGGCGCAGGT-3'
Protein context (NP_598004.1, residues 196-216): PRCCRICFEE[Arg206Pro]RDELSERLKI